The following is an entry in ClinVar:

ClinVar aggregate classification (germline): Conflicting classifications of pathogenicity. Review status: criteria provided, conflicting classifications (1 of 4 stars). 3 submissions from 3 submitters: Uncertain significance (2); Likely benign (1). Last evaluated 2024-01-02.

Conditions:
Inborn genetic diseases. Identifiers: MedGen C0950123, MeSH D030342.

Allele frequency attached by ClinVar (database versions not stated): gnomAD 0.00003; ExAC 0.00004; TOPMed 0.00004; 1000 Genomes Project 30x 0.00016; 1000 Genomes Project 0.00020.

Submissions (3):

Ambry Genetics
Classification: Uncertain significance for Inborn genetic diseases. Last evaluated: 2024-01-02. Review status: criteria provided, single submitter. Criteria: Ambry Variant Classification Scheme 2023. Collection method: clinical testing. Allele origin: germline.

Labcorp Genetics (formerly Invitae), Labcorp
Classification: Uncertain significance. Last evaluated: 2023-07-17. Review status: criteria provided, single submitter. Criteria: Invitae Variant Classification Sherloc (09022015). Collection method: clinical testing. Allele origin: germline.
Comment: This sequence change replaces valine, which is neutral and non-polar, with methionine, which is neutral and non-polar, at codon 1997 of the GPR179 protein (p.Val1997Met). This variant is present in population databases (rs563623827, gnomAD 0.03%), including at least one homozygous and/or hemizygous individual. This variant has not been reported in the literature in individuals affected with GPR179-related conditions. ClinVar contains an entry for this variant (Variation ID: 1912520). Algorithms developed to predict the effect of missense changes on protein structure and function output the following: SIFT: "Not Available"; PolyPhen-2: "Benign"; Align-GVGD: "Not Available". The methionine amino acid residue is found in multiple mammalian species, which suggests that this missense change does not adversely affect protein function. In summary, the available evidence is currently insufficient to determine the role of this variant in disease. Therefore, it has been classified as a Variant of Uncertain Significance.

Blueprint Genetics
Classification: Likely benign. Last evaluated: 2022-10-31. Review status: criteria provided, single submitter. Criteria: ACMG Guidelines, 2015. Collection method: clinical testing. Allele origin: germline.

NM_001004334.4(GPR179):c.5989G>A (p.Val1997Met)

Gene: GPR179 (G protein-coupled receptor 179; minus strand). Cytogenetic location: 17q12.
Variant type: single nucleotide variant.
Coding change: c.5989G>A on transcript NM_001004334.4 (MANE Select); coding-DNA position 5989, G replaced by A.
Protein change: p.Val1997Met; replaces valine 1997 with methionine.
Molecular consequence: missense variant.
Genome position (GRCh38, 1-based): chr17:38,327,580, C>T on the plus strand (G>A on the coding strand, the complement: GPR179 is on the minus strand). VCF-style: chr17-38327580-C-T. GRCh37 (hg19) VCF-style: chr17-36483463-C-T.
Other names: c.5989G>A (NM_001004334.2); short protein forms V1997M.
Identifiers: ClinVar variation 1912520 (VCV001912520.6), dbSNP rs563623827, ClinGen allele CA290103189.
Genomic context (GRCh38, chr17:38,327,580, plus strand): 5'-CAGCCTTGGCACTGCTGTCAGATTTATACACACCTGCATCAGGAACATCCCATGGGCACA[C>T]GTCAGCGGCCCTGCCCCCAGTGCTGACCAGTCTCTGGGAGCTAGCTTTAGGTTGGTCAGG-3'
Protein context (NP_001004334.3, residues 1987-2007): LVSTGGRAAD[Val1997Met]CPWDVPDAGV